The following is an entry in ClinVar:

NM_022436.3(ABCG5):c.383G>T (p.Cys128Phe)

Gene: ABCG5 (ATP binding cassette subfamily G member 5; minus strand). Cytogenetic location: 2p21.
Variant type: single nucleotide variant.
Coding change: c.383G>T on transcript NM_022436.3 (MANE Select); coding-DNA position 383, G replaced by T.
Protein change: p.Cys128Phe; replaces cysteine 128 with phenylalanine.
Molecular consequence: missense variant.
Genome position (GRCh38, 1-based): chr2:43,831,966, C>A on the plus strand (G>T on the coding strand, the complement: ABCG5 is on the minus strand). VCF-style: chr2-43831966-C-A. GRCh37 (hg19) VCF-style: chr2-44059105-C-A.
Other names: short protein forms C128F.
Identifiers: ClinVar variation 2477276 (VCV002477276.3), dbSNP rs1461341406, ClinGen allele CA346667916.
Genomic context (GRCh38, chr2:43,831,966, plus strand): 5'-GGGGCGGGCGGGGGGGCCAGGGGTGTGGGGGACGCGCCCACCTGCAGGACGTAGGAGAAG[C>A]AGTCCTGGAACTGCTCCCGGCGCAGCGCCCGGCCGTTCACATACACCTCCCCCAGGAAGG-3'
Protein context (NP_071881.1, residues 118-138): RALRREQFQD[Cys128Phe]FSYVLQSDTL

ClinVar aggregate classification (germline): Uncertain significance (1 of 4 stars; one submission).

Conditions:
Cardiovascular phenotype. Identifiers: MedGen CN230736.

gnomAD v4.1: 1 of 1,550,928 alleles (0.000064%); highest among the groups gnomAD compares: Non-Finnish European, 0.000087%; no homozygotes.

Submission:

Ambry Genetics
Classification: Uncertain significance for Cardiovascular phenotype. Last evaluated: 2026-01-10. Review status: criteria provided, single submitter. Criteria: Ambry Variant Classification Scheme 2023. Collection method: clinical testing. Allele origin: germline.
Comment: The p.C128F variant (also known as c.383G>T), located in coding exon 3 of the ABCG5 gene, results from a G to T substitution at nucleotide position 383. The cysteine at codon 128 is replaced by phenylalanine, an amino acid with highly dissimilar properties. This amino acid position is conserved. In addition, this alteration is predicted to be deleterious by in silico analysis. Based on the available evidence, the clinical significance of this variant remains unclear.